The following is an entry in ClinVar:

ClinVar aggregate classification (germline): Uncertain significance. Review status: criteria provided, multiple submitters, no conflicts (2 of 4 stars). 3 submissions from 3 submitters: Uncertain significance (2). 1 of the submissions does not count toward it. Last evaluated 2025-06-13.

Conditions:
Cardiovascular phenotype. Identifiers: MedGen CN230736.
Alstrom syndrome (ALMS). Identifiers: Orphanet 64, MedGen C0268425, MONDO:0008763, OMIM 203800.

Allele frequency attached by ClinVar (database versions not stated): ExAC 0.00001; TOPMed 0.00001; gnomAD 0.00002; ESP Exome Variant Server 0.00008.
gnomAD v4.1: 5 of 1,613,612 alleles (0.00031%); highest among the groups gnomAD compares: African/African-American, 0.0053%; no homozygotes.

Submissions (3):

Ambry Genetics
Classification: Uncertain significance for Cardiovascular phenotype. Last evaluated: 2025-06-13. Review status: criteria provided, single submitter. Criteria: Ambry Variant Classification Scheme 2023. Collection method: clinical testing. Allele origin: germline.
Comment: The p.S919C variant (also known as c.2756C>G), located in coding exon 8 of the ALMS1 gene, results from a C to G substitution at nucleotide position 2756. The serine at codon 919 is replaced by cysteine, an amino acid with dissimilar properties. This amino acid position is poorly conserved in available vertebrate species. In addition, this alteration is predicted to be tolerated by in silico analysis. Based on the available evidence, the clinical significance of this variant remains unclear.

Fulgent Genetics
Classification: Uncertain significance for Alstrom syndrome. Last evaluated: 2021-08-20. Review status: criteria provided, single submitter. Criteria: ACMG Guidelines, 2015. Collection method: clinical testing. Allele origin: unknown.

Counsyl
Classification: Uncertain significance for Alstrom syndrome. Last evaluated: 2018-04-09. Review status: no assertion criteria provided. Collection method: clinical testing. Allele origin: unknown. Not counted in ClinVar's aggregate classification.

NM_001378454.1(ALMS1):c.2753C>G (p.Ser918Cys)

Gene: ALMS1 (ALMS1 centrosome and basal body associated protein; plus strand). Cytogenetic location: 2p13.1.
Variant type: single nucleotide variant.
Coding change: c.2753C>G on transcript NM_001378454.1 (MANE Select); coding-DNA position 2753, C replaced by G.
Protein change: p.Ser918Cys; replaces serine 918 with cysteine.
Molecular consequence: missense variant.
Genome position (GRCh38, 1-based): chr2:73,449,280, C>G. VCF-style: chr2-73449280-C-G. GRCh37 (hg19) VCF-style: chr2-73676407-C-G.
Other names: c.2756C>G, p.Ser919Cys (NM_015120.4); short protein forms S919C, S918C.
Identifiers: ClinVar variation 557828 (VCV000557828.4), dbSNP rs369228801, ClinGen allele CA1713410.